The following is an entry in ClinVar:

NM_014249.4(NR2E3):c.196G>T (p.Gly66Cys)

Gene: NR2E3 (nuclear receptor subfamily 2 group E member 3; plus strand). Cytogenetic location: 15q23.
Variant type: single nucleotide variant.
Coding change: c.196G>T on transcript NM_014249.4 (MANE Select); coding-DNA position 196, G replaced by T.
Protein change: p.Gly66Cys; replaces glycine 66 with cysteine.
Molecular consequence: missense variant.
Genome position (GRCh38, 1-based): chr15:71,811,560, G>T. VCF-style: chr15-71811560-G-T. GRCh37 (hg19) VCF-style: chr15-72103900-G-T.
Other names: c.196G>T, p.Gly66Cys (NM_016346.4); short protein forms G66C.
Identifiers: ClinVar variation 2818323 (VCV002818323.4), dbSNP rs770937516, ClinGen allele CA393032096.

ClinVar aggregate classification (germline): Conflicting classifications of pathogenicity. Review status: criteria provided, conflicting classifications (1 of 4 stars). 2 submissions from 2 submitters: Likely pathogenic (1); Uncertain significance (1). Last evaluated 2024-10-01.

Conditions:
Atypical retinitis pigmentosa.

Submissions (2):

Lab De Baere, Eye and Developmental Genetics Lab, Ghent University
Classification: Likely pathogenic for Atypical retinitis pigmentosa. Last evaluated: 2024-10-01. Review status: criteria provided, single submitter. Criteria: ACMG Guidelines, 2015. Collection method: research. Allele origin: inherited. Affected: yes. Observed: 1 variant allele.
Comment: ACMG/AMP guidelines: PM2, PP3, PP1_PM, PM3_PP

Labcorp Genetics (formerly Invitae), Labcorp
Classification: Uncertain significance. Last evaluated: 2022-12-03. Review status: criteria provided, single submitter. Criteria: Invitae Variant Classification Sherloc (09022015). Collection method: clinical testing. Allele origin: germline.
Comment: In summary, the available evidence is currently insufficient to determine the role of this variant in disease. Therefore, it has been classified as a Variant of Uncertain Significance. Advanced modeling of protein sequence and biophysical properties (such as structural, functional, and spatial information, amino acid conservation, physicochemical variation, residue mobility, and thermodynamic stability) performed at Invitae indicates that this missense variant is expected to disrupt NR2E3 protein function. This variant has not been reported in the literature in individuals affected with NR2E3-related conditions. This variant is not present in population databases (gnomAD no frequency). This sequence change replaces glycine, which is neutral and non-polar, with cysteine, which is neutral and slightly polar, at codon 66 of the NR2E3 protein (p.Gly66Cys).